The following is an entry in ClinVar:

NM_006915.3(RP2):c.394_395del (p.Ala132fs)

Gene: RP2 (RP2 activator of ARL3 GTPase; plus strand). Cytogenetic location: Xp11.3.
Variant type: Deletion.
Coding change: c.394_395del on transcript NM_006915.3 (MANE Select); coding-DNA positions 394 to 395, 2 bases deleted (GC; older notation c.394_395delGC).
Protein change: p.Ala132fs; shifts the reading frame from alanine 132.
Molecular consequence: frameshift variant.
Genome position (GRCh38, 1-based): chrX:46,853,767-46,853,768, GC deleted. VCF-style (leftmost placement, unchanged base first): chrX-46853766-TGC-T. GRCh37 (hg19) VCF-style: chrX-46713201-TGC-T.
Other names: short protein forms A132fs.
Identifiers: ClinVar variation 2822540 (VCV002822540.3), dbSNP rs2519914345, ClinGen allele CA2739273472.

ClinVar aggregate classification (germline): Pathogenic (1 of 4 stars; one submission).

Submission:

Labcorp Genetics (formerly Invitae), Labcorp
Classification: Pathogenic. Last evaluated: 2022-12-20. Review status: criteria provided, single submitter. Criteria: Invitae Variant Classification Sherloc (09022015). Collection method: clinical testing. Allele origin: germline.
Comment: This sequence change creates a premature translational stop signal (p.Ala132Hisfs*6) in the RP2 gene. It is expected to result in an absent or disrupted protein product. Loss-of-function variants in RP2 are known to be pathogenic (PMID: 11992260, 20625056). This variant is not present in population databases (gnomAD no frequency). This variant has not been reported in the literature in individuals affected with RP2-related conditions. For these reasons, this variant has been classified as Pathogenic.

Literature cited by the submitters: PubMed 11992260; PubMed 20625056.